The following is an entry in ClinVar:

ClinVar aggregate classification (germline): Uncertain significance (1 of 4 stars; one submission).

Conditions:
Paroxysmal nonkinesigenic dyskinesia. Also called: Paroxysmal non-kinesigenic dyskinesia. Identifiers: Orphanet 98810, MedGen C1869117, MONDO:0700088.

Submission:

Labcorp Genetics (formerly Invitae), Labcorp
Classification: Uncertain significance for Paroxysmal nonkinesigenic dyskinesia. Last evaluated: 2024-08-28. Review status: criteria provided, single submitter. Criteria: Invitae Variant Classification Sherloc (09022015). Collection method: clinical testing. Allele origin: germline.
Comment: This sequence change replaces valine, which is neutral and non-polar, with leucine, which is neutral and non-polar, at codon 163 of the PNKD protein (p.Val163Leu). This variant is not present in population databases (gnomAD no frequency). This variant has not been reported in the literature in individuals affected with PNKD-related conditions. Invitae Evidence Modeling of protein sequence and biophysical properties (such as structural, functional, and spatial information, amino acid conservation, physicochemical variation, residue mobility, and thermodynamic stability) indicates that this missense variant is not expected to disrupt PNKD protein function with a negative predictive value of 80%. In summary, the available evidence is currently insufficient to determine the role of this variant in disease. Therefore, it has been classified as a Variant of Uncertain Significance.

NM_015488.5(PNKD):c.487G>C (p.Val163Leu)

Genes: CATIP-AS2 (CATIP antisense RNA 2; minus strand), PNKD (PNKD metallo-beta-lactamase domain containing; plus strand). Cytogenetic location: 2q35.
Variant type: single nucleotide variant.
Coding change: c.487G>C on transcript NM_015488.5 (MANE Select); coding-DNA position 487, G replaced by C.
Protein change: p.Val163Leu; replaces valine 163 with leucine.
Molecular consequence: missense variant.
Genome position (GRCh38, 1-based): chr2:218,340,749, G>C. VCF-style: chr2-218340749-G-C. GRCh37 (hg19) VCF-style: chr2-219205472-G-C.
Other names: c.415G>C, p.Val139Leu (NM_022572.5); short protein forms V139L, V163L.
Identifiers: ClinVar variation 3663625 (VCV003663625.2).